The following is an entry in ClinVar:

NM_012208.4(HARS2):c.1429A>T (p.Ile477Phe)

Gene: HARS2 (histidyl-tRNA synthetase 2, mitochondrial; plus strand). Cytogenetic location: 5q31.3.
Variant type: single nucleotide variant.
Coding change: c.1429A>T on transcript NM_012208.4 (MANE Select); coding-DNA position 1429, A replaced by T.
Protein change: p.Ile477Phe; replaces isoleucine 477 with phenylalanine.
Molecular consequence: missense variant.
Genome position (GRCh38, 1-based): chr5:140,698,046, A>T. VCF-style: chr5-140698046-A-T. GRCh37 (hg19) VCF-style: chr5-140077631-A-T.
Other names: c.1354A>T, p.Ile452Phe (NM_001278731.2); c.997A>T, p.Ile333Phe (NM_001278732.2); c.1447A>T, p.Ile483Phe (NM_001363535.2); c.1219A>T, p.Ile407Phe (NM_001363536.2); short protein forms I483F, I407F, I452F, I333F, I477F.
Identifiers: ClinVar variation 1365393 (VCV001365393.6), dbSNP rs775208983, ClinGen allele CA361203559.

ClinVar aggregate classification (germline): Uncertain significance (1 of 4 stars; one submission).

Submission:

Labcorp Genetics (formerly Invitae), Labcorp
Classification: Uncertain significance. Last evaluated: 2022-07-12. Review status: criteria provided, single submitter. Criteria: Invitae Variant Classification Sherloc (09022015). Collection method: clinical testing. Allele origin: germline.
Comment: This variant is not present in population databases (gnomAD no frequency). In summary, the available evidence is currently insufficient to determine the role of this variant in disease. Therefore, it has been classified as a Variant of Uncertain Significance. Algorithms developed to predict the effect of missense changes on protein structure and function are either unavailable or do not agree on the potential impact of this missense change (SIFT: "Deleterious"; PolyPhen-2: "Benign"; Align-GVGD: "Class C0"). ClinVar contains an entry for this variant (Variation ID: 1365393). This variant has not been reported in the literature in individuals affected with HARS2-related conditions. This sequence change replaces isoleucine, which is neutral and non-polar, with phenylalanine, which is neutral and non-polar, at codon 477 of the HARS2 protein (p.Ile477Phe).